The following is an entry in ClinVar:

ClinVar aggregate classification (germline): Uncertain significance (1 of 4 stars; one submission).

Conditions:
EYA1-related disorder. Also called: EYA1-related condition.

gnomAD v4.1: 10 of 1,614,120 alleles (0.00062%); highest among the groups gnomAD compares: Admixed American, 0.0017%; no homozygotes.

Submission:

PreventionGenetics, part of Exact Sciences
Classification: Uncertain significance for EYA1-related condition. Last evaluated: 2025-06-25. Review status: criteria provided, single submitter. Criteria: ACMG Guidelines, 2015. Collection method: clinical testing. Allele origin: germline.
Comment: The EYA1 c.1274G>A variant is predicted to result in the amino acid substitution p.Arg425Gln. To our knowledge, this variant has not been reported in the literature. This variant is reported in 0.0054% of alleles in individuals of East Asian descent in gnomAD. At this time, the clinical significance of this variant is uncertain due to the absence of conclusive functional and genetic evidence.

NM_000503.6(EYA1):c.1274G>A (p.Arg425Gln)

Gene: EYA1 (EYA transcriptional coactivator and phosphatase 1; minus strand). Cytogenetic location: 8q13.3.
Variant type: single nucleotide variant.
Coding change: c.1274G>A on transcript NM_000503.6 (MANE Select); coding-DNA position 1274, G replaced by A.
Protein change: p.Arg425Gln; replaces arginine 425 with glutamine.
Molecular consequence: missense variant.
Genome position (GRCh38, 1-based): chr8:71,216,778, C>T on the plus strand (G>A on the coding strand, the complement: EYA1 is on the minus strand). VCF-style: chr8-71216778-C-T. GRCh37 (hg19) VCF-style: chr8-72129013-C-T.
Other names: c.1256G>A, p.Arg419Gln (NM_001288574.2, NM_172059.5); c.908G>A, p.Arg303Gln (NM_001288575.2); c.1361G>A, p.Arg454Gln (NM_001370333.1); c.1274G>A, p.Arg425Gln (NM_001370334.1, NM_001370335.1, NM_172058.4); c.1253G>A, p.Arg418Gln (NM_001370336.1); c.1175G>A, p.Arg392Gln (NM_001411797.1, NM_172060.4); short protein forms R303Q, R392Q, R419Q, R425Q, R418Q, R454Q.
Identifiers: ClinVar variation 4989354 (VCV004989354.1).